The following is an entry in ClinVar:

ClinVar aggregate classification (germline): Uncertain significance (1 of 4 stars; one submission).

Allele frequency attached by ClinVar (database versions not stated): TOPMed 0.00001 and below 0.00001.

Submission:

GeneDx
Classification: Uncertain significance. Last evaluated: 2017-10-05. Review status: criteria provided, single submitter. Criteria: GeneDx Variant Classification (06012015). Collection method: clinical testing. Allele origin: germline. Affected: yes.
Comment: This variant is denoted ATM c.2705A>C at the cDNA level, p.Lys902Thr (K902T) at the protein level, and results in the change of a Lysine to a Threonine (AAG>ACG) in exon 18. This variant has not, to our knowledge, been published in the literature as either a mutation or a benign polymorphism. ATM Lys902Thr was not observed in approximately 6,500 individuals of European and African American ancestry in the NHLBI Exome Sequencing Project, indicating it is not a common benign variant in these populations. Since Lysine and Threonine differ in some properties, this is considered a semi-conservative amino acid substitution. ATM Lys902Thr alters a position that is moderately conserved across species and is not located in a known functional domain. In silico analyses predict that this variant is unlikely to alter protein structure or function. Based on currently available information, it is unclear whether ATM Lys902Thr is a pathogenic mutation or a benign variant. This variant has been seen apparently mosaic. The variant is found in BR-OV-HEREDIC panel(s).

NM_000051.4(ATM):c.2705A>C (p.Lys902Thr)

Gene: ATM (ATM serine/threonine kinase; plus strand). Cytogenetic location: 11q22.3.
Variant type: single nucleotide variant.
Coding change: c.2705A>C on transcript NM_000051.4 (MANE Select); coding-DNA position 2705, A replaced by C.
Protein change: p.Lys902Thr; replaces lysine 902 with threonine.
Molecular consequence: missense variant.
Genome position (GRCh38, 1-based): chr11:108,268,476, A>C. VCF-style: chr11-108268476-A-C. GRCh37 (hg19) VCF-style: chr11-108139203-A-C.
Other names: p.K902T:AAG>ACG; c.2705A>C, p.Lys902Thr (NM_001351834.2); short protein forms K902T.
Identifiers: ClinVar variation 181991 (VCV000181991.2), dbSNP rs730881352, ClinGen allele CA298342.
Genomic context (GRCh38, chr11:108,268,476, plus strand): 5'-TTAATCCTTTAGCTGAAGAATATCTGTCAAAGCAAGATCTACTTTTCTTAGACATGCTCA[A>C]GTTCTTGTGTTTGTGTGTAACTACTGCTCAGACCAATACTGTGTCCTTTAGGGCAGCTGA-3'
Protein context (NP_000042.3, residues 892-912): KQDLLFLDML[Lys902Thr]FLCLCVTTAQ